The following is an entry in ClinVar:

NM_001002295.2(GATA3):c.1288T>G (p.Ser430Ala)

Gene: GATA3 (GATA binding protein 3; plus strand). Cytogenetic location: 10p14.
Variant type: single nucleotide variant.
Coding change: c.1288T>G on transcript NM_001002295.2 (MANE Select); coding-DNA position 1288, T replaced by G.
Protein change: p.Ser430Ala; replaces serine 430 with alanine.
Molecular consequence: missense variant.
Genome position (GRCh38, 1-based): chr10:8,073,976, T>G. VCF-style: chr10-8073976-T-G. GRCh37 (hg19) VCF-style: chr10-8115939-T-G.
Other names: c.1285T>G, p.Ser429Ala (NM_002051.3); short protein forms S429A, S430A.
Identifiers: ClinVar variation 3361669 (VCV003361669.1).

ClinVar aggregate classification (germline): Uncertain significance (1 of 4 stars; one submission).

Submission:

GeneDx
Classification: Uncertain significance. Last evaluated: 2023-07-26. Review status: criteria provided, single submitter. Criteria: GeneDx Variant Classification Process June 2021. Collection method: clinical testing. Allele origin: germline. Affected: yes.
Comment: Not observed at significant frequency in large population cohorts (gnomAD); In silico analysis supports that this missense variant does not alter protein structure/function; Has not been previously published as pathogenic or benign to our knowledge